The following is an entry in ClinVar:

NM_003632.3(CNTNAP1):c.2290C>T (p.Arg764Cys)

Gene: CNTNAP1 (contactin associated protein 1; plus strand). Cytogenetic location: 17q21.2.
Variant type: single nucleotide variant.
Coding change: c.2290C>T on transcript NM_003632.3 (MANE Select); coding-DNA position 2290, C replaced by T.
Protein change: p.Arg764Cys; replaces arginine 764 with cysteine.
Molecular consequence: missense variant.
Genome position (GRCh38, 1-based): chr17:42,691,457, C>T. VCF-style: chr17-42691457-C-T. GRCh37 (hg19) VCF-style: chr17-40843475-C-T.
Other names: short protein forms R764C.
Identifiers: ClinVar variation 590914 (VCV000590914.7), dbSNP rs761805324, ClinGen allele CA8582012.
Genomic context (GRCh38, chr17:42,691,457, plus strand): 5'-GGACTGCTGACCTTTGTGGACCATCTGCCTGTCACTCAGGTAGTGATAGGGGATACGAAC[C>T]GCTCCACTTCTGAGGCCCAGTTCTTCCTGAGGCCTCTGCGCTGCTATGGCGATCGTGAGT-3'
Protein context (NP_003623.1, residues 754-774): VTQVVIGDTN[Arg764Cys]STSEAQFFLR

ClinVar aggregate classification (germline): Uncertain significance. Review status: criteria provided, single submitter (1 of 4 stars). 2 submissions from 2 submitters: Uncertain significance (1). 1 of the submissions does not count toward it. Last evaluated 2022-07-06.

Conditions:
Neuropathy, congenital hypomyelinating, 3. Identifiers: MedGen C4748608, MONDO:0020766, OMIM 618186.

Allele frequency attached by ClinVar (database versions not stated): gnomAD exomes below 0.00001 and 0.00001; TOPMed below 0.00001; ExAC 0.00001; gnomAD 0.00001.

Submissions (2):

Labcorp Genetics (formerly Invitae), Labcorp
Classification: Uncertain significance. Last evaluated: 2022-07-06. Review status: criteria provided, single submitter. Criteria: Invitae Variant Classification Sherloc (09022015). Collection method: clinical testing. Allele origin: germline.
Comment: Algorithms developed to predict the effect of missense changes on protein structure and function (SIFT, PolyPhen-2, Align-GVGD) all suggest that this variant is likely to be disruptive. In summary, the available evidence is currently insufficient to determine the role of this variant in disease. Therefore, it has been classified as a Variant of Uncertain Significance. ClinVar contains an entry for this variant (Variation ID: 590914). This missense change has been observed in individual(s) with CNTNAP1-related conditions (PMID: 27818385, 28374019). In at least one individual the data is consistent with being in trans (on the opposite chromosome) from a pathogenic variant. It has also been observed to segregate with disease in related individuals. This variant is present in population databases (rs761805324, gnomAD 0.003%). This sequence change replaces arginine, which is basic and polar, with cysteine, which is neutral and slightly polar, at codon 764 of the CNTNAP1 protein (p.Arg764Cys).

OMIM
Classification: Pathogenic for NEUROPATHY, CONGENITAL HYPOMYELINATING, 3. Last evaluated: 2018-11-28. Review status: no assertion criteria provided. Collection method: literature only. Allele origin: germline. Not counted in ClinVar's aggregate classification.

Literature cited by the submitters: PubMed 27818385 (cited by Labcorp Genetics (formerly Invitae), Labcorp and OMIM); PubMed 28374019 (cited by Labcorp Genetics (formerly Invitae), Labcorp and OMIM).